The following is an entry in ClinVar:

ClinVar aggregate classification (germline): Uncertain significance (1 of 4 stars; one submission).

Conditions:
Cardiovascular phenotype. Identifiers: MedGen CN230736.

Submission:

Ambry Genetics
Classification: Uncertain significance for Cardiovascular phenotype. Last evaluated: 2025-07-09. Review status: criteria provided, single submitter. Criteria: Ambry Variant Classification Scheme 2023. Collection method: clinical testing. Allele origin: germline.
Comment: The p.V200L variant (also known as c.598G>T), located in coding exon 1 of the FKRP gene, results from a G to T substitution at nucleotide position 598. The valine at codon 200 is replaced by leucine, an amino acid with highly similar properties. This amino acid position is conserved. In addition, this alteration is predicted to be tolerated by in silico analysis. Based on the available evidence, the clinical significance of this variant remains unclear.

NM_024301.5(FKRP):c.598G>T (p.Val200Leu)

Gene: FKRP (fukutin related protein; plus strand). Cytogenetic location: 19q13.32.
Variant type: single nucleotide variant.
Coding change: c.598G>T on transcript NM_024301.5 (MANE Select); coding-DNA position 598, G replaced by T.
Protein change: p.Val200Leu; replaces valine 200 with leucine.
Molecular consequence: missense variant.
Genome position (GRCh38, 1-based): chr19:46,756,048, G>T. VCF-style: chr19-46756048-G-T. GRCh37 (hg19) VCF-style: chr19-47259305-G-T.
Other names: c.598G>T, p.Val200Leu (NM_001039885.3); short protein forms V200L.
Identifiers: ClinVar variation 4257866 (VCV004257866.1).
Genomic context (GRCh38, chr19:46,756,048, plus strand): 5'-GCCCGCTATGGCGCAGCCCCCGCCGCGCCCCGCTGCGACGCCCTGGACGGAGATGCTGTG[G>T]TGCTCCTGCGCGCCCGCGACCTCTTCAACCTCTCGGCGCCCCTGGCCCGGCCGGTGGGCA-3'
Protein context (NP_077277.1, residues 190-210): RCDALDGDAV[Val200Leu]LLRARDLFNL